The following is an entry in ClinVar:

ClinVar aggregate classification (germline): Conflicting classifications of pathogenicity. Review status: criteria provided, conflicting classifications (1 of 4 stars). 7 submissions from 6 submitters: Uncertain significance (2); Likely benign (5). Last evaluated 2026-01-26.

Conditions:
CDH23-related disorder. Also called: CDH23-related condition; CDH23-related disorders.
Usher syndrome type 1D (USH1D). Also called: USHER SYNDROME, TYPE ID. Identifiers: Orphanet 231169, Orphanet 886, MedGen C1832845, MONDO:0010984, OMIM 601067.
Autosomal recessive nonsyndromic hearing loss 12. Also called: DEAFNESS, AUTOSOMAL RECESSIVE 12. Identifiers: Orphanet 90636, MedGen C1832394, MONDO:0011067, OMIM 601386.

Allele frequency attached by ClinVar (database versions not stated): gnomAD exomes 0.00002; ExAC 0.00004; ESP Exome Variant Server 0.00008; gnomAD 0.00019 and 0.00020; TOPMed 0.00023; 1000 Genomes Project 30x 0.00031; 1000 Genomes Project 0.00040.
gnomAD v4.1: 48 of 1,613,908 alleles (0.003%); highest among the groups gnomAD compares: Admixed American, 0.027%; no homozygotes.

Submissions (7):

Labcorp Genetics (formerly Invitae), Labcorp
Classification: Likely benign. Last evaluated: 2026-01-26. Review status: criteria provided, single submitter. Criteria: Invitae Variant Classification Sherloc (09022015). Collection method: clinical testing. Allele origin: germline.

PreventionGenetics, part of Exact Sciences
Classification: Likely benign for CDH23-related condition. Last evaluated: 2024-11-22. Review status: criteria provided, single submitter. Criteria: ACMG Guidelines, 2015. Collection method: clinical testing. Allele origin: germline.
Comment: This variant is classified as likely benign based on ACMG/AMP sequence variant interpretation guidelines (Richards et al. 2015 PMID: 25741868, with internal and published modifications).

Blueprint Genetics
Classification: Likely benign. Last evaluated: 2023-04-17. Review status: criteria provided, single submitter. Criteria: ACMG Guidelines, 2015. Collection method: clinical testing. Allele origin: germline.

GeneDx
Classification: Likely benign. Last evaluated: 2021-06-08. Review status: criteria provided, single submitter. Criteria: GeneDx Variant Classification Process June 2021. Collection method: clinical testing. Allele origin: germline. Affected: yes.

Illumina Laboratory Services, Illumina
Classification: Uncertain significance for Usher syndrome type 1D. Last evaluated: 2018-01-13. Review status: criteria provided, single submitter. Criteria: ICSL Variant Classification Criteria 13 December 2019. Collection method: clinical testing. Allele origin: germline.

Illumina Laboratory Services, Illumina
Classification: Uncertain significance for Autosomal recessive nonsyndromic hearing loss 12. Last evaluated: 2018-01-13. Review status: criteria provided, single submitter. Criteria: ICSL Variant Classification Criteria 13 December 2019. Collection method: clinical testing. Allele origin: germline.

Laboratory for Molecular Medicine, Mass General Brigham Personalized Medicine
Classification: Likely benign. Last evaluated: 2012-04-30. Review status: criteria provided, single submitter. Criteria: LMM Criteria. Collection method: clinical testing. Allele origin: germline. Observed: 1 variant allele.
Comment: Ile1674Ile in Exon 39 of CDH23: This variant is not expected to have clinical si gnificance because it does not alter an amino acid residue, is not located withi n the splice consensus sequence, and has been identified in 1/3716 African Ameri can chromosomes from a broad population by the NHLBI Exome Sequencing Project.

NM_022124.6(CDH23):c.5022C>T (p.Ile1674=)

Gene: CDH23 (cadherin related 23; plus strand). Cytogenetic location: 10q22.1.
Variant type: single nucleotide variant.
Coding change: c.5022C>T on transcript NM_022124.6 (MANE Select); coding-DNA position 5022, C replaced by T.
Protein change: p.Ile1674=; no amino-acid change (isoleucine 1674 retained).
Molecular consequence: synonymous variant.
Genome position (GRCh38, 1-based): chr10:71,777,856, C>T. VCF-style: chr10-71777856-C-T. GRCh37 (hg19) VCF-style: chr10-73537613-C-T.
Identifiers: ClinVar variation 162916 (VCV000162916.20), dbSNP rs376952695, ClinGen allele CA175494.
Genomic context (GRCh38, chr10:71,777,856, plus strand): 5'-CATCACCATCCAGGCACTGGACCTGGATGAGGGTCCCAACGGCACAGTCACCTATGCCAT[C>T]GTCGCAGGCAACATCGTCAACACCTTCCGCATCGACAGACACATGGTCAGCAGCTGATGG-3'
Protein context (NP_071407.4, residues 1664-1684): EGPNGTVTYA[Ile1674=]VAGNIVNTFR